The following is an entry in ClinVar:

ClinVar aggregate classification (germline): Uncertain significance. Review status: criteria provided, multiple submitters, no conflicts (2 of 4 stars). 2 submissions from 2 submitters: Uncertain significance (2). Last evaluated 2025-10-09.

gnomAD v4.1: 9 of 1,613,920 alleles (0.00056%); highest among the groups gnomAD compares: African/African-American, 0.011%; no homozygotes.

Submissions (2):

Labcorp Genetics (formerly Invitae), Labcorp
Classification: Uncertain significance. Last evaluated: 2025-10-09. Review status: criteria provided, single submitter. Criteria: Invitae Variant Classification Sherloc (09022015). Collection method: clinical testing. Allele origin: germline.
Comment: This sequence change replaces glutamic acid, which is acidic and polar, with glycine, which is neutral and non-polar, at codon 2149 of the FBN3 protein (p.Glu2149Gly). This variant is present in population databases (rs567194707, gnomAD 0.01%). This variant has not been reported in the literature in individuals affected with FBN3-related conditions. ClinVar contains an entry for this variant (Variation ID: 3849227). Invitae Evidence Modeling of protein sequence and biophysical properties (such as structural, functional, and spatial information, amino acid conservation, physicochemical variation, residue mobility, and thermodynamic stability) has been performed for this missense variant. However, the output from this modeling did not meet the statistical confidence thresholds required to predict the impact of this variant on FBN3 protein function. In summary, the available evidence is currently insufficient to determine the role of this variant in disease. Therefore, it has been classified as a Variant of Uncertain Significance.

Ambry Genetics
Classification: Uncertain significance. Last evaluated: 2025-02-08. Review status: criteria provided, single submitter. Criteria: Ambry Variant Classification Scheme 2023. Collection method: clinical testing. Allele origin: germline.

NM_032447.5(FBN3):c.6446A>G (p.Glu2149Gly)

Gene: FBN3 (fibrillin 3; minus strand). Cytogenetic location: 19p13.2.
Variant type: single nucleotide variant.
Coding change: c.6446A>G on transcript NM_032447.5 (MANE Select); coding-DNA position 6446, A replaced by G.
Protein change: p.Glu2149Gly; replaces glutamic acid 2149 with glycine.
Molecular consequence: missense variant.
Genome position (GRCh38, 1-based): chr19:8,088,110, T>C on the plus strand (A>G on the coding strand, the complement: FBN3 is on the minus strand). VCF-style: chr19-8088110-T-C. GRCh37 (hg19) VCF-style: chr19-8152994-T-C.
Other names: c.6446A>G, p.Glu2149Gly (NM_001321431.2); short protein forms E2149G.
Identifiers: ClinVar variation 3849227 (VCV003849227.2).